The following is an entry in ClinVar:

ClinVar aggregate classification (germline): Uncertain significance (1 of 4 stars; one submission).

Submission:

Women's Health and Genetics/Laboratory Corporation of America, LabCorp
Classification: Uncertain significance. Last evaluated: 2026-04-17. Review status: criteria provided, single submitter. Criteria: LabCorp Variant Classification Summary - May 2015. Collection method: clinical testing. Allele origin: germline.
Comment: Variant summary: TNXB c.9932G>C (p.Arg3311Pro) results in a non-conservative amino acid change in the encoded protein sequence. Algorithms developed to predict the effect of missense changes on protein structure and function are either unavailable or do not agree on the potential impact of this missense change. The variant was absent in 242656 control chromosomes. The available data on variant occurrences in the general population are insufficient to allow any conclusion about variant significance. To our knowledge, no occurrence of c.9932G>C in individuals affected with TNXB-related conditions and no experimental evidence demonstrating its impact on protein function have been reported. No submitters have cited clinical-significance assessments for this variant to ClinVar. Based on the evidence outlined above, the variant was classified as uncertain significance.

NM_001365276.2(TNXB):c.9938G>C (p.Arg3313Pro)

Gene: TNXB (tenascin XB; minus strand). Cytogenetic location: 6p21.33.
Variant type: single nucleotide variant.
Coding change: c.9938G>C on transcript NM_001365276.2 (MANE Select); coding-DNA position 9938, G replaced by C.
Protein change: p.Arg3313Pro; replaces arginine 3313 with proline.
Molecular consequence: missense variant.
Genome position (GRCh38, 1-based): chr6:32,048,470, C>G on the plus strand (G>C on the coding strand, the complement: TNXB is on the minus strand). VCF-style: chr6-32048470-C-G. GRCh37 (hg19) VCF-style: chr6-32016247-C-G.
Other names: c.9932G>C, p.Arg3311Pro (NM_019105.8); c.10679G>C, p.Arg3560Pro (NM_001428335.1); short protein forms R3311P, R3313P, R3560P.
Identifiers: ClinVar variation 4848451 (VCV004848451.1).